The following is an entry in ClinVar:

ClinVar aggregate classification (germline): Likely pathogenic (1 of 4 stars; one submission).

Conditions:
Hypertrophic cardiomyopathy. Also called: HYPERTROPHIC MYOCARDIOPATHY. Identifiers: Orphanet 217569, MedGen C0007194, MeSH D002312, MONDO:0005045, HP:0001639.

Submission:

Labcorp Genetics (formerly Invitae), Labcorp
Classification: Likely pathogenic for Hypertrophic cardiomyopathy. Last evaluated: 2025-02-23. Review status: criteria provided, single submitter. Criteria: Invitae Variant Classification Sherloc (09022015). Collection method: clinical testing. Allele origin: germline.
Comment: This sequence change affects an acceptor splice site in intron 8 of the MYBPC3 gene. It is expected to disrupt RNA splicing. Variants that disrupt the donor or acceptor splice site typically lead to a loss of protein function (PMID: 16199547), and loss-of-function variants in MYBPC3 are known to be pathogenic (PMID: 19574547). This variant is not present in population databases (gnomAD no frequency). Disruption of this splice site has been observed in individual(s) with hypertrophic cardiomyopathy (PMID: 31513939, 34714385, 37652022). ClinVar contains an entry for this variant (Variation ID: 2760797). Algorithms developed to predict the effect of sequence changes on RNA splicing suggest that this variant may disrupt the consensus splice site. In summary, the currently available evidence indicates that the variant is pathogenic, but additional data are needed to prove that conclusively. Therefore, this variant has been classified as Likely Pathogenic.

Literature cited by the submitters: PubMed 16199547; PubMed 19574547; PubMed 31513939; PubMed 34714385; PubMed 37652022.

NM_000256.3(MYBPC3):c.852-2A>C

Gene: MYBPC3 (myosin binding protein C3; minus strand). Cytogenetic location: 11p11.2.
Variant type: single nucleotide variant.
Coding change: c.852-2A>C on transcript NM_000256.3 (MANE Select); the canonical splice acceptor site of the intron before coding-DNA position 852, A replaced by C.
Molecular consequence: splice acceptor variant.
Genome position (GRCh38, 1-based): chr11:47,347,481, T>G on the plus strand (A>C on the coding strand, the complement: MYBPC3 is on the minus strand). VCF-style: chr11-47347481-T-G. GRCh37 (hg19) VCF-style: chr11-47369032-T-G.
Identifiers: ClinVar variation 2760797 (VCV002760797.3), dbSNP rs1565629792, ClinGen allele CA380333415.